The following is an entry in ClinVar:

ClinVar aggregate classification (germline): Uncertain significance. Review status: criteria provided, multiple submitters, no conflicts (2 of 4 stars). 2 submissions from 2 submitters: Uncertain significance (2). Last evaluated 2024-08-20.

Allele frequency attached by ClinVar (database versions not stated): gnomAD exomes below 0.00001; TOPMed below 0.00001; gnomAD 0.00001.
gnomAD v4.1: 5 of 1,614,058 alleles (0.00031%); highest among the groups gnomAD compares: African/African-American, 0.004%; no homozygotes.

Submissions (2):

Revvity Omics, Revvity
Classification: Uncertain significance. Last evaluated: 2024-08-20. Review status: criteria provided, single submitter. Criteria: ACMG Guidelines, 2015. Collection method: clinical testing. Allele origin: germline.

Labcorp Genetics (formerly Invitae), Labcorp
Classification: Uncertain significance. Last evaluated: 2024-03-19. Review status: criteria provided, single submitter. Criteria: Invitae Variant Classification Sherloc (09022015). Collection method: clinical testing. Allele origin: germline.
Comment: This sequence change replaces phenylalanine, which is neutral and non-polar, with leucine, which is neutral and non-polar, at codon 1093 of the SCN3A protein (p.Phe1093Leu). This variant is not present in population databases (gnomAD no frequency). This variant has not been reported in the literature in individuals affected with SCN3A-related conditions. Advanced modeling of protein sequence and biophysical properties (such as structural, functional, and spatial information, amino acid conservation, physicochemical variation, residue mobility, and thermodynamic stability) performed at Invitae indicates that this missense variant is not expected to disrupt SCN3A protein function with a negative predictive value of 95%. In summary, the available evidence is currently insufficient to determine the role of this variant in disease. Therefore, it has been classified as a Variant of Uncertain Significance.

NM_006922.4(SCN3A):c.3277T>C (p.Phe1093Leu)

Gene: SCN3A (sodium voltage-gated channel alpha subunit 3; minus strand). Cytogenetic location: 2q24.3.
Variant type: single nucleotide variant.
Coding change: c.3277T>C on transcript NM_006922.4 (MANE Select); coding-DNA position 3277, T replaced by C.
Protein change: p.Phe1093Leu; replaces phenylalanine 1093 with leucine.
Molecular consequence: missense variant.
Genome position (GRCh38, 1-based): chr2:165,127,747, A>G on the plus strand (T>C on the coding strand, the complement: SCN3A is on the minus strand). VCF-style: chr2-165127747-A-G. GRCh37 (hg19) VCF-style: chr2-165984257-A-G.
Other names: c.3130T>C, p.Phe1044Leu (NM_001081676.2, NM_001081677.2); short protein forms F1093L, F1044L.
Identifiers: ClinVar variation 2874038 (VCV002874038.4), dbSNP rs1040090388, ClinGen allele CA59732156.